The following is an entry in ClinVar:

NM_002470.4(MYH3):c.2778_2779del (p.Arg926fs)

Gene: MYH3 (myosin heavy chain 3; minus strand). Cytogenetic location: 17p13.1.
Variant type: Microsatellite.
Coding change: c.2778_2779del on transcript NM_002470.4 (MANE Select); coding-DNA positions 2778 to 2779, 2 bases deleted (AG; older notation c.2778_2779delAG).
Protein change: p.Arg926fs; shifts the reading frame from arginine 926.
Molecular consequence: frameshift variant.
Genome position (GRCh38, 1-based): chr17:10,639,706-10,639,707, CT deleted on the plus strand (AG on the coding strand, the reverse complement: MYH3 is on the minus strand); deleting any 2 consecutive bases within chr17:10,639,706-10,639,713 gives the same sequence; the c. name uses the placement nearest the transcript's 3' end. VCF-style (leftmost placement, unchanged base first): chr17-10639705-GCT-G. GRCh37 (hg19) VCF-style: chr17-10543022-GCT-G.
Other names: short protein forms R926fs.
Identifiers: ClinVar variation 1405964 (VCV001405964.6), dbSNP rs766768674, ClinGen allele CA981429880.

ClinVar aggregate classification (germline): Pathogenic (1 of 4 stars; one submission).

Submission:

Labcorp Genetics (formerly Invitae), Labcorp
Classification: Pathogenic. Last evaluated: 2022-03-11. Review status: criteria provided, single submitter. Criteria: Invitae Variant Classification Sherloc (09022015). Collection method: clinical testing. Allele origin: germline.
Comment: This sequence change creates a premature translational stop signal (p.Arg926Serfs*2) in the MYH3 gene. It is expected to result in an absent or disrupted protein product. Loss-of-function variants in MYH3 are known to be pathogenic (PMID: 29805041, 30008475). This variant is not present in population databases (gnomAD no frequency). This variant has not been reported in the literature in individuals affected with MYH3-related conditions. For these reasons, this variant has been classified as Pathogenic.

Literature cited by the submitters: PubMed 29805041; PubMed 30008475.